The following is an entry in ClinVar:

NM_052876.4(NACC1):c.948C>T (p.Ala316=)

Gene: NACC1 (nucleus accumbens associated 1; plus strand). Cytogenetic location: 19p13.13.
Variant type: single nucleotide variant.
Coding change: c.948C>T on transcript NM_052876.4 (MANE Select); coding-DNA position 948, C replaced by T.
Protein change: p.Ala316=; no amino-acid change (alanine 316 retained).
Molecular consequence: synonymous variant.
Genome position (GRCh38, 1-based): chr19:13,136,233, C>T. VCF-style: chr19-13136233-C-T. GRCh37 (hg19) VCF-style: chr19-13247047-C-T.
Identifiers: ClinVar variation 739785 (VCV000739785.11), dbSNP rs201327710, ClinGen allele CA9238377.

ClinVar aggregate classification (germline): Benign. Review status: criteria provided, single submitter (1 of 4 stars). 2 submissions from 2 submitters: Benign (1). 1 of the submissions does not count toward it. Last evaluated 2026-01-28.

Conditions:
NACC1-related disorder. Also called: NACC1-related condition.

Allele frequency attached by ClinVar (database versions not stated): TOPMed 0.00007; gnomAD 0.00013; gnomAD exomes 0.00106; 1000 Genomes Project 30x 0.00484; 1000 Genomes Project 0.00559.
gnomAD v4.1: 1,640 of 1,611,628 alleles (0.1%); highest among the groups gnomAD compares: South Asian, 1.7%; 31 homozygotes.

Submissions (2):

Labcorp Genetics (formerly Invitae), Labcorp
Classification: Benign. Last evaluated: 2026-01-28. Review status: criteria provided, single submitter. Criteria: Invitae Variant Classification Sherloc (09022015). Collection method: clinical testing. Allele origin: germline.

PreventionGenetics, part of Exact Sciences
Classification: Benign for NACC1-related condition. Last evaluated: 2024-08-07. Review status: no assertion criteria provided. Collection method: clinical testing. Allele origin: germline. Not counted in ClinVar's aggregate classification.
Comment: This variant is classified as benign based on ACMG/AMP sequence variant interpretation guidelines (Richards et al. 2015 PMID: 25741868, with internal and published modifications).